The following is an entry in ClinVar:

ClinVar aggregate classification (germline): Likely benign (1 of 4 stars; one submission).

Conditions:
Maple syrup urine disease (MSUD). Identifiers: Orphanet 511, MedGen C0024776, MeSH D008375, MONDO:0009563. Disease mechanism: loss of function.

Allele frequency attached by ClinVar (database versions not stated): gnomAD 0.00055 and 0.00071; TOPMed 0.00063; 1000 Genomes Project 30x 0.00312; 1000 Genomes Project 0.00319.

Submission:

Illumina Laboratory Services, Illumina
Classification: Likely benign for Maple syrup urine disease type 1A. Last evaluated: 2018-01-13. Review status: criteria provided, single submitter. Criteria: ICSL Variant Classification Criteria 13 December 2019. Collection method: clinical testing. Allele origin: germline.
Comment: This variant was observed in the ICSL laboratory as part of a predisposition screen in an ostensibly healthy population. It had not been previously curated by ICSL or reported in the Human Gene Mutation Database (HGMD: prior to June 1st, 2018), and was therefore a candidate for classification through an automated scoring system. Utilizing variant allele frequency, disease prevalence and penetrance estimates, and inheritance mode, an automated score was calculated to assess if this variant is too frequent to cause the disease. Based on the score and internal cut-off values, a variant classified as likely benign is not then subjected to further curation. The score for this variant resulted in a classification of likely benign for this disease.

NM_001918.5(DBT):c.*5969C>T

Gene: DBT (dihydrolipoamide branched chain transacylase E2; minus strand). Cytogenetic location: 1p21.2.
Variant type: single nucleotide variant.
Coding change: c.*5969C>T on transcript NM_001918.5 (MANE Select); 5969 bases downstream of the stop codon, C replaced by T.
Molecular consequence: 3 prime UTR variant.
Genome position (GRCh38, 1-based): chr1:100,190,286, G>A on the plus strand (C>T on the coding strand, the complement: DBT is on the minus strand). VCF-style: chr1-100190286-G-A. GRCh37 (hg19) VCF-style: chr1-100655842-G-A.
Identifiers: ClinVar variation 876178 (VCV000876178.4), dbSNP rs141483625, ClinGen allele CA27596898.
Genomic context (GRCh38, chr1:100,190,286, plus strand): 5'-AACACTGGCTCCTTCTATCTTGTGTGGTGCCATCTTCAACCTTGAAGGGTGCATGTTGGA[G>A]GGGAAGAGATAGAATATGAAGAATCTCTTGAGAAGTGTTATGGGCCATGTCTGGAAATGG-3'